The following is an entry in ClinVar:

NM_001267550.2(TTN):c.4880G>A (p.Trp1627Ter)

Genes: TTN (titin; minus strand), LOC101927055 (uncharacterized LOC101927055; plus strand). Cytogenetic location: 2q31.2.
Variant type: single nucleotide variant.
Coding change: c.4880G>A on transcript NM_001267550.2 (MANE Select); coding-DNA position 4880, G replaced by A.
Protein change: p.Trp1627Ter; replaces tryptophan 1627 with a stop codon.
Molecular consequence: nonsense. On other transcripts: non-coding transcript variant (1).
Genome position (GRCh38, 1-based): chr2:178,776,984, C>T on the plus strand (G>A on the coding strand, the complement: TTN is on the minus strand). VCF-style: chr2-178776984-C-T. GRCh37 (hg19) VCF-style: chr2-179641711-C-T.
Other names: c.4742G>A, p.Trp1581Ter (NM_133432.3, NM_133437.4, NM_003319.4); c.4880G>A, p.Trp1627Ter (NM_001256850.1, NM_133378.4, NM_133379.5); short protein forms W1581*, W1627*.
Identifiers: ClinVar variation 1020457 (VCV001020457.11), dbSNP rs767755367, ClinGen allele CA2005250.

ClinVar aggregate classification (germline): Likely pathogenic (1 of 4 stars; one submission).

Conditions:
Dilated cardiomyopathy 1G (CMD1G). Identifiers: Orphanet 154, MedGen C1858763, MONDO:0011400, OMIM 604145.
Autosomal recessive limb-girdle muscular dystrophy type 2J (LGMDR10). Also called: Limb-girdle muscular dystrophy, type 2J; MUSCULAR DYSTROPHY, LIMB-GIRDLE, AUTOSOMAL RECESSIVE 10. Identifiers: Orphanet 140922, MedGen C1837342, MONDO:0012127, OMIM 608807.

Allele frequency attached by ClinVar (database versions not stated): gnomAD exomes below 0.00001; ExAC 0.00001.

Submission:

Labcorp Genetics (formerly Invitae), Labcorp
Classification: Likely pathogenic for Dilated cardiomyopathy 1G; Autosomal recessive limb-girdle muscular dystrophy type 2J. Last evaluated: 2024-10-18. Review status: criteria provided, single submitter. Criteria: Invitae Variant Classification Sherloc (09022015). Collection method: clinical testing. Allele origin: germline.
Comment: This sequence change creates a premature translational stop signal (p.Trp1627*) in the TTN gene. While this is not anticipated to result in nonsense mediated decay, it is expected to create a truncated TTN protein. This variant is present in population databases (rs767755367, gnomAD 0.006%). This variant has not been reported in the literature in individuals affected with TTN-related conditions. ClinVar contains an entry for this variant (Variation ID: 1020457). This variant is located in the Z band of TTN (PMID: 25589632). Truncating variants in this region have been reported in individuals affected with autosomal recessive centronuclear myopathy (PMID: 33449170, internal data). Truncating variants in this region have also been identified in individuals affected with autosomal dominant dilated cardiomyopathy and/or cardio-related conditions (PMID: 27869827, 32964742, internal data). In summary, the currently available evidence indicates that the variant is pathogenic, but additional data are needed to prove that conclusively. Therefore, this variant has been classified as Likely Pathogenic.

Literature cited by the submitters: PubMed 25589632; PubMed 33449170; PubMed 27869827; PubMed 32964742.